The following is an entry in ClinVar:

NM_033026.6(PCLO):c.302A>G (p.Asp101Gly)

Gene: PCLO (piccolo presynaptic cytomatrix protein; minus strand). Cytogenetic location: 7q21.11.
Variant type: single nucleotide variant.
Coding change: c.302A>G on transcript NM_033026.6 (MANE Select); coding-DNA position 302, A replaced by G.
Protein change: p.Asp101Gly; replaces aspartic acid 101 with glycine.
Molecular consequence: missense variant.
Genome position (GRCh38, 1-based): chr7:83,156,339, T>C on the plus strand (A>G on the coding strand, the complement: PCLO is on the minus strand). VCF-style: chr7-83156339-T-C. GRCh37 (hg19) VCF-style: chr7-82785655-T-C.
Other names: c.302A>G, p.Asp101Gly (NM_014510.3); short protein forms D101G.
Identifiers: ClinVar variation 2088546 (VCV002088546.1), dbSNP rs1467160267, ClinGen allele CA367921528.

ClinVar aggregate classification (germline): Uncertain significance (1 of 4 stars; one submission).

Allele frequency attached by ClinVar (database versions not stated): TOPMed below 0.00001.

Submission:

Labcorp Genetics (formerly Invitae), Labcorp
Classification: Uncertain significance. Last evaluated: 2022-07-05. Review status: criteria provided, single submitter. Criteria: Invitae Variant Classification Sherloc (09022015). Collection method: clinical testing. Allele origin: germline.
Comment: This sequence change replaces aspartic acid, which is acidic and polar, with glycine, which is neutral and non-polar, at codon 101 of the PCLO protein (p.Asp101Gly). This variant is not present in population databases (gnomAD no frequency). This variant has not been reported in the literature in individuals affected with PCLO-related conditions. Algorithms developed to predict the effect of missense changes on protein structure and function are either unavailable or do not agree on the potential impact of this missense change (SIFT: "Deleterious"; PolyPhen-2: "Not Available"; Align-GVGD: "Class C0"). In summary, the available evidence is currently insufficient to determine the role of this variant in disease. Therefore, it has been classified as a Variant of Uncertain Significance.